The following is an entry in ClinVar:

NM_000212.3(ITGB3):c.1788del (p.Ser596fs)

Gene: ITGB3 (integrin subunit beta 3; plus strand). Cytogenetic location: 17q21.32.
Variant type: Deletion.
Coding change: c.1788del on transcript NM_000212.3 (MANE Select); coding-DNA position 1788, one base deleted (C; older notation c.1788delC).
Protein change: p.Ser596fs; shifts the reading frame from serine 596.
Molecular consequence: frameshift variant.
Genome position (GRCh38, 1-based): chr17:47,299,405, C deleted. VCF-style (leftmost placement, unchanged base first): chr17-47299404-GC-G. GRCh37 (hg19) VCF-style: chr17-45376770-GC-G.
Other names: NM_000212.3:c.1788del; short protein forms S596fs.
Identifiers: ClinVar variation 4857363 (VCV004857363.1).

ClinVar aggregate classification (germline): Pathogenic (3 of 4 stars; one submission).

Conditions:
Glanzmann thrombasthenia. Also called: Glanzmann's thrombasthenia; THROMBASTHENIA OF GLANZMANN AND NAEGELI; Thrombasthenia; PLATELET GLYCOPROTEIN IIb-IIIa DEFICIENCY. Identifiers: Orphanet 849, MedGen C0040015, MONDO:0100326.

Submission:

ClinGen Platelet Disorders Variant Curation Expert Panel, ClinGen
Classification: Pathogenic for Glanzmann thrombasthenia. Last evaluated: 2026-06-04. Review status: reviewed by expert panel. Criteria: ClinGen Platelet ACMG Specifications v2-1. Collection method: curation. Allele origin: germline. Inheritance: Autosomal recessive inheritance.
Comment: The c.1788del (p.Ser596ArgfsTer73) variant in exon 11 is a frameshift variant predicted to cause a premature stop codon in biologically-relevant-exon 12/15 and is predicted to lead to nonsense mediated decay in a gene in which loss-of-function is an established mechanism (PVS1). This variant has been detected in at least 1 proband with Glanzmann thrombasthenia (PMID 39501528). The highest population minor allele frequency in gnomAD v4.1.0 is 0.00001600 (1/62512 alleles) in the Remaining population, which is lower than the ClinGen PD VCEP threshold. The variant was not present in any of the primary genetic ancestry groups (<0.0001; PM2_Supporting). In summary, this variant meets the criteria to be classified as Pathogenic for autosomal recessive Glanzmann Thrombasthenia based on the ACMG/AMP criteria applied, as specified by the ClinGen PD VCEP: PVS1, PM3_Supporting and PM2_Supporting (VCEP specifications version 2).